The following is an entry in ClinVar:

ClinVar aggregate classification (germline): Uncertain significance (1 of 4 stars; one submission).

Conditions:
Cardiovascular phenotype. Identifiers: MedGen CN230736.

Submission:

Ambry Genetics
Classification: Uncertain significance for Cardiovascular phenotype. Last evaluated: 2020-01-10. Review status: criteria provided, single submitter. Criteria: Ambry Variant Classification Scheme 2023. Collection method: clinical testing. Allele origin: germline.
Comment: The p.I326T variant (also known as c.977T>C), located in coding exon 6 of the ACVRL1 gene, results from a T to C substitution at nucleotide position 977. The isoleucine at codon 326 is replaced by threonine, an amino acid with similar properties. This alteration was reported in a family with hereditary hemorrhagic telangiectasia (HHT) who also was noted to harbor a frameshift alteration in ACVRL1 (Assis AM et al. J. Hum. Genet., 2007 Jan;52:237-43). This amino acid position is highly conserved in available vertebrate species. In addition, this alteration is predicted to be deleterious by in silico analysis. Since supporting evidence is limited at this time, the clinical significance of this alteration remains unclear.

Literature cited by the submitters: PubMed 17219009.

NM_000020.3(ACVRL1):c.977T>C (p.Ile326Thr)

Gene: ACVRL1 (activin A receptor like type 1; plus strand). Cytogenetic location: 12q13.13.
Variant type: single nucleotide variant.
Coding change: c.977T>C on transcript NM_000020.3 (MANE Select); coding-DNA position 977, T replaced by C.
Protein change: p.Ile326Thr; replaces isoleucine 326 with threonine.
Molecular consequence: missense variant.
Genome position (GRCh38, 1-based): chr12:51,915,429, T>C. VCF-style: chr12-51915429-T-C. GRCh37 (hg19) VCF-style: chr12-52309213-T-C.
Other names: c.977T>C, p.Ile326Thr (NM_001077401.2, NM_001406487.1, NM_001406488.1 and 1 more transcripts); c.665T>C, p.Ile222Thr (NM_001406490.1, NM_001406491.1, NM_001406492.1 and 2 more transcripts); c.413T>C, p.Ile138Thr (NM_001406495.1); short protein forms I222T, I326T, I138T.
Identifiers: ClinVar variation 1768176 (VCV001768176.2), dbSNP rs2540164721, ClinGen allele CA384901402.